The following is an entry in ClinVar:

ClinVar aggregate classification (germline): Uncertain significance (1 of 4 stars; one submission).

Submission:

Labcorp Genetics (formerly Invitae), Labcorp
Classification: Uncertain significance. Last evaluated: 2025-11-13. Review status: criteria provided, single submitter. Criteria: Invitae Variant Classification Sherloc (09022015). Collection method: clinical testing. Allele origin: germline.
Comment: This sequence change affects codon 47 of the MAFB mRNA. It is a 'silent' change, meaning that it does not change the encoded amino acid sequence of the MAFB protein. This variant is not present in population databases (gnomAD no frequency). This variant has not been reported in the literature in individuals affected with MAFB-related conditions. Experimental studies and prediction algorithms are not available or were not evaluated, and the effect of this variant on mRNA splicing is currently unknown. In summary, the available evidence is currently insufficient to determine the role of this variant in disease. Therefore, it has been classified as a Variant of Uncertain Significance.

NM_005461.5(MAFB):c.141A>T (p.Thr47=)

Gene: MAFB (MAF bZIP transcription factor B; minus strand). Cytogenetic location: 20q12.
Variant type: single nucleotide variant.
Coding change: c.141A>T on transcript NM_005461.5 (MANE Select); coding-DNA position 141, A replaced by T.
Protein change: p.Thr47=; no amino-acid change (threonine 47 retained).
Molecular consequence: synonymous variant.
Genome position (GRCh38, 1-based): chr20:40,688,710, T>A on the plus strand (A>T on the coding strand, the complement: MAFB is on the minus strand). VCF-style: chr20-40688710-T-A. GRCh37 (hg19) VCF-style: chr20-39317350-T-A.
Identifiers: ClinVar variation 4781093 (VCV004781093.1).